The following is an entry in ClinVar:

NM_024740.2(ALG9):c.246T>C (p.Asp82=)

Gene: ALG9 (ALG9 alpha-1,2-mannosyltransferase; minus strand). Cytogenetic location: 11q23.1.
Variant type: single nucleotide variant.
Coding change: c.246T>C on transcript NM_024740.2 (MANE Select); coding-DNA position 246, T replaced by C.
Protein change: p.Asp82=; no amino-acid change (aspartic acid 82 retained).
Molecular consequence: synonymous variant. On other transcripts: 5 prime UTR variant (14), non-coding transcript variant (1), intron variant (1).
Genome position (GRCh38, 1-based): chr11:111,870,256, A>G on the plus strand (T>C on the coding strand, the complement: ALG9 is on the minus strand). VCF-style: chr11-111870256-A-G. GRCh37 (hg19) VCF-style: chr11-111740979-A-G.
Other names: c.-268T>C (NM_001077692.2, NM_001352412.2, NM_001352419.1 and 5 more transcripts); c.-272T>C (NM_001352410.1, NM_001352411.2, NM_001352413.1 and 2 more transcripts); c.246T>C, p.Asp82= (NM_001352417.1, NM_001352418.1, NM_001077690.1); c.-486T>C (NM_001352422.2); c.-244+1096T>C (NM_001352409.1).
Identifiers: ClinVar variation 758838 (VCV000758838.11), dbSNP rs782243361, ClinGen allele CA6274726.

ClinVar aggregate classification (germline): Likely benign. Review status: criteria provided, single submitter (1 of 4 stars). 2 submissions from 2 submitters: Likely benign (1). 1 of the submissions does not count toward it. Last evaluated 2025-04-25.

Conditions:
ALG9-related disorder. Also called: ALG9-related condition.
ALG9 congenital disorder of glycosylation (CDG1L). Also called: CONGENITAL DISORDER OF GLYCOSYLATION, TYPE Il; CDG Il; ALG9-CDG. Identifiers: Orphanet 79328, MedGen C2931006, MONDO:0012117, OMIM 608776.

Allele frequency attached by ClinVar (database versions not stated): gnomAD 0.00004; gnomAD exomes 0.00005 and 0.00010; TOPMed 0.00005; ExAC 0.00010.
gnomAD v4.1: 72 of 1,611,064 alleles (0.0045%); highest among the groups gnomAD compares: East Asian, 0.16%; no homozygotes.

Submissions (2):

Labcorp Genetics (formerly Invitae), Labcorp
Classification: Likely benign for ALG9 congenital disorder of glycosylation. Last evaluated: 2025-04-25. Review status: criteria provided, single submitter. Criteria: Invitae Variant Classification Sherloc (09022015). Collection method: clinical testing. Allele origin: germline.

PreventionGenetics, part of Exact Sciences
Classification: Likely benign for ALG9-related condition. Last evaluated: 2024-07-12. Review status: no assertion criteria provided. Collection method: clinical testing. Allele origin: germline. Not counted in ClinVar's aggregate classification.
Comment: This variant is classified as likely benign based on ACMG/AMP sequence variant interpretation guidelines (Richards et al. 2015 PMID: 25741868, with internal and published modifications).